The following is an entry in ClinVar:

ClinVar aggregate classification (germline): Uncertain significance (1 of 4 stars; one submission).

Submission:

Ambry Genetics
Classification: Uncertain significance. Last evaluated: 2023-07-26. Review status: criteria provided, single submitter. Criteria: Ambry Variant Classification Scheme 2023. Collection method: clinical testing. Allele origin: germline.
Comment: The p.K167E variant (also known as c.499A>G), located in coding exon 4 of the POLQ gene, results from an A to G substitution at nucleotide position 499. The lysine at codon 167 is replaced by glutamic acid, an amino acid with similar properties. This amino acid position is conserved. In addition, this alteration is predicted to be tolerated by in silico analysis. Since supporting evidence is limited at this time, the clinical significance of this alteration remains unclear.

NM_199420.4(POLQ):c.499A>G (p.Lys167Glu)

Gene: POLQ (DNA polymerase theta; minus strand). Cytogenetic location: 3q13.33.
Variant type: single nucleotide variant.
Coding change: c.499A>G on transcript NM_199420.4 (MANE Select); coding-DNA position 499, A replaced by G.
Protein change: p.Lys167Glu; replaces lysine 167 with glutamic acid.
Molecular consequence: missense variant.
Genome position (GRCh38, 1-based): chr3:121,539,565, T>C on the plus strand (A>G on the coding strand, the complement: POLQ is on the minus strand). VCF-style: chr3-121539565-T-C. GRCh37 (hg19) VCF-style: chr3-121258412-T-C.
Other names: short protein forms K167E.
Identifiers: ClinVar variation 2625844 (VCV002625844.2), dbSNP rs2546824612, ClinGen allele CA354091418.